The following is an entry in ClinVar:

NM_006231.4(POLE):c.3558C>T (p.Leu1186=)

Gene: POLE (DNA polymerase epsilon, catalytic subunit; minus strand). Cytogenetic location: 12q24.33.
Variant type: single nucleotide variant.
Coding change: c.3558C>T on transcript NM_006231.4 (MANE Select); coding-DNA position 3558, C replaced by T.
Protein change: p.Leu1186=; no amino-acid change (leucine 1186 retained).
Molecular consequence: synonymous variant.
Genome position (GRCh38, 1-based): chr12:132,657,160, G>A on the plus strand (C>T on the coding strand, the complement: POLE is on the minus strand). VCF-style: chr12-132657160-G-A. GRCh37 (hg19) VCF-style: chr12-133233746-G-A.
Other names: p.Leu1186=.
Identifiers: ClinVar variation 1732653 (VCV001732653.3), dbSNP rs2138656253, ClinGen allele CA482731392.

ClinVar aggregate classification (germline): Likely benign. Review status: criteria provided, multiple submitters, no conflicts (2 of 4 stars). 2 submissions from 2 submitters: Likely benign (2). Last evaluated 2025-10-23.

Conditions:
Hereditary cancer-predisposing syndrome. Also called: Neoplastic Syndromes, Hereditary; Tumor predisposition; Hereditary Cancer Syndrome; Hereditary neoplastic syndrome. Identifiers: Orphanet 140162, MedGen C0027672, MeSH D009386, MONDO:0015356.

Allele frequency attached by ClinVar (database versions not stated): gnomAD exomes below 0.00001.

Submissions (2):

Mayo Clinic Laboratories, Mayo Clinic
Classification: Likely benign. Last evaluated: 2025-10-23. Review status: criteria provided, single submitter. Criteria: ACMG Guidelines, 2015. Collection method: clinical testing. Allele origin: germline. Observed: 1 variant allele.
Comment: BP4, BP7

Ambry Genetics
Classification: Likely benign for Hereditary cancer-predisposing syndrome. Last evaluated: 2019-09-03. Review status: criteria provided, single submitter. Criteria: Ambry Variant Classification Scheme 2023. Collection method: clinical testing. Allele origin: germline.